The following is an entry in ClinVar:

NM_020884.7(MYH7B):c.4469G>A (p.Arg1490Gln)

Gene: MYH7B (myosin heavy chain 7B; plus strand). Cytogenetic location: 20q11.22.
Variant type: single nucleotide variant.
Coding change: c.4469G>A on transcript NM_020884.7 (MANE Select); coding-DNA position 4469, G replaced by A.
Protein change: p.Arg1490Gln; replaces arginine 1490 with glutamine.
Molecular consequence: missense variant.
Genome position (GRCh38, 1-based): chr20:34,999,334, G>A. VCF-style: chr20-34999334-G-A. GRCh37 (hg19) VCF-style: chr20-33587137-G-A.
Other names: c.4595G>A (NM_020884.3); short protein forms R1490Q.
Identifiers: ClinVar variation 2188852 (VCV002188852.5), dbSNP rs776021924, ClinGen allele CA9828115.
Genomic context (GRCh38, chr20:34,999,334, plus strand): 5'-TGCAGCGGGAGCTGGAGGCGGCACAGAGGGAGTCCCGTGGCCTGGGCACCGAGCTCTTCC[G>A]GCTGCGGCACGGCCACGAGGAGGCACTTGAAGCCCTGGAGACGCTCAAGCGGGAGAACAA-3'
Protein context (NP_065935.4, residues 1480-1500): ESRGLGTELF[Arg1490Gln]LRHGHEEALE

ClinVar aggregate classification (germline): Uncertain significance. Review status: criteria provided, multiple submitters, no conflicts (2 of 4 stars). 2 submissions from 2 submitters: Uncertain significance (2). Last evaluated 2025-08-02.

Allele frequency attached by ClinVar (database versions not stated): ExAC 0.00003; gnomAD exomes 0.00003.
gnomAD v4.1: 48 of 1,564,600 alleles (0.0031%); highest among the groups gnomAD compares: Middle Eastern, 0.034%; 1 homozygote.

Submissions (2):

Ambry Genetics
Classification: Uncertain significance. Last evaluated: 2025-08-02. Review status: criteria provided, single submitter. Criteria: Ambry Variant Classification Scheme 2023. Collection method: clinical testing. Allele origin: germline.

Labcorp Genetics (formerly Invitae), Labcorp
Classification: Uncertain significance. Last evaluated: 2022-03-12. Review status: criteria provided, single submitter. Criteria: Invitae Variant Classification Sherloc (09022015). Collection method: clinical testing. Allele origin: germline.
Comment: In summary, the available evidence is currently insufficient to determine the role of this variant in disease. Therefore, it has been classified as a Variant of Uncertain Significance. Algorithms developed to predict the effect of missense changes on protein structure and function are either unavailable or do not agree on the potential impact of this missense change (SIFT: "Deleterious"; PolyPhen-2: "Benign"; Align-GVGD: "Class C35"). This variant has not been reported in the literature in individuals affected with MYH7B-related conditions. This variant is present in population databases (rs776021924, gnomAD 0.001%). This sequence change replaces arginine, which is basic and polar, with glutamine, which is neutral and polar, at codon 1532 of the MYH7B protein (p.Arg1532Gln).